The following is an entry in ClinVar:

NM_001330260.2(SCN8A):c.5563G>C (p.Val1855Leu)

Gene: SCN8A (sodium voltage-gated channel alpha subunit 8; plus strand). Cytogenetic location: 12q13.13.
Variant type: single nucleotide variant.
Coding change: c.5563G>C on transcript NM_001330260.2 (MANE Select); coding-DNA position 5563, G replaced by C.
Protein change: p.Val1855Leu; replaces valine 1855 with leucine.
Molecular consequence: missense variant.
Genome position (GRCh38, 1-based): chr12:51,807,049, G>C. VCF-style: chr12-51807049-G-C. GRCh37 (hg19) VCF-style: chr12-52200833-G-C.
Other names: c.5440G>C, p.Val1814Leu (NM_001177984.3, NM_001369788.1); c.5563G>C, p.Val1855Leu (NM_014191.4); short protein forms V1814L, V1855L.
Identifiers: ClinVar variation 4529859 (VCV004529859.1).

ClinVar aggregate classification (germline): Uncertain significance (1 of 4 stars; one submission).

Submission:

GeneDx
Classification: Uncertain significance. Last evaluated: 2025-05-12. Review status: criteria provided, single submitter. Criteria: GeneDx Variant Classification Process June 2021. Collection method: clinical testing. Allele origin: germline. Affected: yes.
Comment: Not observed at significant frequency in large population cohorts (gnomAD); In silico analysis supports that this missense variant has a deleterious effect on protein structure/function; This substitution is predicted to be within C-terminal cytoplasmic domain; Has not been previously published as pathogenic or benign to our knowledge